The following is an entry in ClinVar:

ClinVar aggregate classification (germline): Benign. Review status: criteria provided, multiple submitters, no conflicts (2 of 4 stars). 2 submissions from 2 submitters: Benign (2). Last evaluated 2018-06-14.

Allele frequency attached by ClinVar (database versions not stated): gnomAD exomes 0.03291; gnomAD 0.12443 and 0.13066; TOPMed 0.13590; 1000 Genomes Project 0.14257; 1000 Genomes Project 30x 0.15256.
gnomAD v4.1: 44,942 of 929,512 alleles (4.8%); highest among the groups gnomAD compares: African/African-American, 37%; 4,411 homozygotes.

Submissions (2):

GeneDx
Classification: Benign. Last evaluated: 2018-06-14. Review status: criteria provided, single submitter. Criteria: GeneDx Variant Classification (06012015). Collection method: clinical testing. Allele origin: germline. Affected: yes.
Comment: This variant is considered likely benign or benign based on one or more of the following criteria: it is a conservative change, it occurs at a poorly conserved position in the protein, it is predicted to be benign by multiple in silico algorithms, and/or has population frequency not consistent with disease.

Breakthrough Genomics
Classification: Benign. Review status: criteria provided, single submitter. Criteria: ACMG Guidelines, 2015. Collection method: not provided. Allele origin: germline. Inheritance: Autosomal dominant inheritance. Affected: yes.

NM_058246.4(DNAJB6):c.898+239C>T

Gene: DNAJB6 (DnaJ heat shock protein family (Hsp40) member B6; plus strand). Cytogenetic location: 7q36.3.
Variant type: single nucleotide variant.
Coding change: c.898+239C>T on transcript NM_058246.4 (MANE Select); 239 bases into the intron after coding-DNA position 898, C replaced by T.
Molecular consequence: intron variant.
Genome position (GRCh38, 1-based): chr7:157,410,240, C>T. VCF-style: chr7-157410240-C-T. GRCh37 (hg19) VCF-style: chr7-157202934-C-T.
Other names: c.553+239C>T (NM_001363676.1).
Identifiers: ClinVar variation 679295 (VCV000679295.2), dbSNP rs6977438, ClinGen allele CA12666340.